The following is an entry in ClinVar:

ClinVar aggregate classification (germline): Uncertain significance (1 of 4 stars; one submission).

Conditions:
Hereditary cancer-predisposing syndrome. Also called: Neoplastic Syndromes, Hereditary; Tumor predisposition; Hereditary Cancer Syndrome; Hereditary neoplastic syndrome. Identifiers: Orphanet 140162, MedGen C0027672, MeSH D009386, MONDO:0015356.

Submission:

Ambry Genetics
Classification: Uncertain significance for Hereditary cancer-predisposing syndrome. Last evaluated: 2024-10-29. Review status: criteria provided, single submitter. Criteria: Ambry Variant Classification Scheme 2023. Collection method: clinical testing. Allele origin: germline.
Comment: The c.265-3C>G intronic variant results from a C to G substitution 3 nucleotides upstream from coding exon 3 in the RB1 gene. This nucleotide position is poorly conserved in available vertebrate species. In silico splice site analysis predicts that this alteration may weaken the native splice acceptor site and may result in the creation or strengthening of a novel splice acceptor site. Based on the available evidence, the clinical significance of this variant remains unclear.

NM_000321.3(RB1):c.265-3C>G

Gene: RB1 (RB transcriptional corepressor 1; plus strand). Cytogenetic location: 13q14.2.
Variant type: single nucleotide variant.
Coding change: c.265-3C>G on transcript NM_000321.3 (MANE Select); 3 bases into the intron before coding-DNA position 265, C replaced by G.
Molecular consequence: intron variant.
Genome position (GRCh38, 1-based): chr13:48,342,596, C>G. VCF-style: chr13-48342596-C-G. GRCh37 (hg19) VCF-style: chr13-48916732-C-G.
Other names: c.265-3C>G (NM_001407165.1, NM_001407166.1).
Identifiers: ClinVar variation 3430909 (VCV003430909.1).